The following is an entry in ClinVar:

NM_003661.4(APOL1):c.98+5G>T

Gene: APOL1 (apolipoprotein L1; plus strand). Cytogenetic location: 22q12.3.
Variant type: single nucleotide variant.
Coding change: c.98+5G>T on transcript NM_003661.4 (MANE Select); 5 bases into the intron after coding-DNA position 98, G replaced by T.
Molecular consequence: intron variant.
Genome position (GRCh38, 1-based): chr22:36,257,141, G>T. VCF-style: chr22-36257141-G-T. GRCh37 (hg19) VCF-style: chr22-36653187-G-T.
Other names: c.146+5G>T (NM_145343.3); c.98+5G>T (NM_001136540.2); c.45-178G>T (NM_001362927.2, NM_001136541.2).
Identifiers: ClinVar variation 2118930 (VCV002118930.4), dbSNP rs1195884801, ClinGen allele CA2580099717.

ClinVar aggregate classification (germline): Uncertain significance (1 of 4 stars; one submission).

Submission:

Labcorp Genetics (formerly Invitae), Labcorp
Classification: Uncertain significance. Last evaluated: 2022-11-01. Review status: criteria provided, single submitter. Criteria: Invitae Variant Classification Sherloc (09022015). Collection method: clinical testing. Allele origin: germline.
Comment: This sequence change falls in intron 3 of the APOL1 gene. It does not directly change the encoded amino acid sequence of the APOL1 protein. It affects a nucleotide within the consensus splice site. This variant is not present in population databases (gnomAD no frequency). This variant has not been reported in the literature in individuals affected with APOL1-related conditions. Variants that disrupt the consensus splice site are a relatively common cause of aberrant splicing (PMID: 17576681, 9536098). Algorithms developed to predict the effect of sequence changes on RNA splicing suggest that this variant may disrupt the consensus splice site. In summary, the available evidence is currently insufficient to determine the role of this variant in disease. Therefore, it has been classified as a Variant of Uncertain Significance.

Literature cited by the submitters: PubMed 17576681; PubMed 9536098.